The following is an entry in ClinVar:

ClinVar aggregate classification (germline): Uncertain significance (1 of 4 stars; one submission).

Submission:

Ambry Genetics
Classification: Uncertain significance. Last evaluated: 2022-06-07. Review status: criteria provided, single submitter. Criteria: Ambry Variant Classification Scheme 2023. Collection method: clinical testing. Allele origin: germline.
Comment: The p.A200G variant (also known as c.599C>G), located in coding exon 4 of the IDH1 gene, results from a C to G substitution at nucleotide position 599. The alanine at codon 200 is replaced by glycine, an amino acid with similar properties. This amino acid position is conserved. In addition, the in silico prediction for this alteration is inconclusive. Since supporting evidence is limited at this time, the clinical significance of this alteration remains unclear.

NM_005896.4(IDH1):c.599C>G (p.Ala200Gly)

Gene: IDH1 (isocitrate dehydrogenase (NADP(+)) 1; minus strand). Cytogenetic location: 2q34.
Variant type: single nucleotide variant.
Coding change: c.599C>G on transcript NM_005896.4 (MANE Select); coding-DNA position 599, C replaced by G.
Protein change: p.Ala200Gly; replaces alanine 200 with glycine.
Molecular consequence: missense variant.
Genome position (GRCh38, 1-based): chr2:208,243,526, G>C on the plus strand (C>G on the coding strand, the complement: IDH1 is on the minus strand). VCF-style: chr2-208243526-G-C. GRCh37 (hg19) VCF-style: chr2-209108250-G-C.
Other names: c.599C>G, p.Ala200Gly (NM_001282386.1, NM_001282387.1); short protein forms A200G.
Identifiers: ClinVar variation 1750935 (VCV001750935.2), dbSNP rs2469022114, ClinGen allele CA350099288.